The following is an entry in ClinVar:

ClinVar aggregate classification (germline): Pathogenic (1 of 4 stars; one submission).

Conditions:
Duchenne muscular dystrophy (DMD). Also called: MUSCULAR DYSTROPHY, PSEUDOHYPERTROPHIC PROGRESSIVE, DUCHENNE TYPE; Duchenne Muscular Dystrophy (DMD). Identifiers: Orphanet 98896, MedGen C0013264, MONDO:0010679, OMIM 310200.

Submission:

Labcorp Genetics (formerly Invitae), Labcorp
Classification: Pathogenic for Duchenne muscular dystrophy. Last evaluated: 2019-09-18. Review status: criteria provided, single submitter. Criteria: Invitae Variant Classification Sherloc (09022015). Collection method: clinical testing. Allele origin: unknown.
Comment: For these reasons, this variant has been classified as Pathogenic. Loss-of-function variants in DMD are known to be pathogenic (PMID: 16770791, 25007885). Sub-genic deletion of exons 52-53 has been determined to be pathogenic (PMID: 11388892, 16834926). Therefore, deletions that fully encompass that region are also expected to be pathogenic. This variant has not been reported in the literature in individuals with DMD-related conditions. This variant results in the deletion of exons 52-53 and part of exon 54 (c.7542+5344_7940del) of the DMD gene. It is expected to disrupt RNA splicing and likely results in an absent or disrupted protein product.

Literature cited by the submitters: PubMed 16770791; PubMed 25007885; PubMed 11388892; PubMed 16834926.

NC_000023.10:g.(?_31676194)_(31786733_?)del

Gene: DMD (dystrophin; minus strand). Cytogenetic location: Xp21.1.
Variant type: Deletion.
Identifiers: ClinVar variation 3243638 (VCV003243638.1).